The following is an entry in ClinVar:

NM_001103.4(ACTN2):c.920G>T (p.Arg307Leu)

Gene: ACTN2 (actinin alpha 2; plus strand). Cytogenetic location: 1q43.
Variant type: single nucleotide variant.
Coding change: c.920G>T on transcript NM_001103.4 (MANE Select); coding-DNA position 920, G replaced by T.
Protein change: p.Arg307Leu; replaces arginine 307 with leucine.
Molecular consequence: missense variant. On other transcripts: non-coding transcript variant (1).
Genome position (GRCh38, 1-based): chr1:236,739,345, G>T. VCF-style: chr1-236739345-G-T. GRCh37 (hg19) VCF-style: chr1-236902645-G-T.
Other names: c.920G>T, p.Arg307Leu (NM_001278343.2); c.296G>T, p.Arg99Leu (NM_001278344.2); c.170G>T, p.Arg57Leu (NM_001412150.1); short protein forms R307L, R57L, R99L.
Identifiers: ClinVar variation 3232708 (VCV003232708.1), dbSNP rs112882610, ClinGen allele CA345380057.

ClinVar aggregate classification (germline): Uncertain significance (1 of 4 stars; one submission).

Conditions:
Cardiovascular phenotype. Identifiers: MedGen CN230736.

Submission:

Ambry Genetics
Classification: Uncertain significance for Cardiovascular phenotype. Last evaluated: 2024-01-27. Review status: criteria provided, single submitter. Criteria: Ambry Variant Classification Scheme 2023. Collection method: clinical testing. Allele origin: germline.
Comment: The p.R307L variant (also known as c.920G>T), located in coding exon 10 of the ACTN2 gene, results from a G to T substitution at nucleotide position 920. The arginine at codon 307 is replaced by leucine, an amino acid with dissimilar properties. This amino acid position is conserved. In addition, this alteration is predicted to be deleterious by in silico analysis. Based on the available evidence, the clinical significance of this alteration remains unclear.